The following is an entry in ClinVar:

NM_007186.6(CEP250):c.6394T>A (p.Ser2132Thr)

Gene: CEP250 (centrosomal protein 250; plus strand). Cytogenetic location: 20q11.22.
Variant type: single nucleotide variant.
Coding change: c.6394T>A on transcript NM_007186.6 (MANE Select); coding-DNA position 6394, T replaced by A.
Protein change: p.Ser2132Thr; replaces serine 2132 with threonine.
Molecular consequence: missense variant.
Genome position (GRCh38, 1-based): chr20:35,504,763, T>A. VCF-style: chr20-35504763-T-A. GRCh37 (hg19) VCF-style: chr20-34092591-T-A.
Other names: c.4498T>A, p.Ser1500Thr (NM_001318219.1); short protein forms S2132T, S1500T.
Identifiers: ClinVar variation 1944602 (VCV001944602.2), dbSNP rs531437659, ClinGen allele CA9834057.

ClinVar aggregate classification (germline): Uncertain significance (1 of 4 stars; one submission).

Allele frequency attached by ClinVar (database versions not stated): 1000 Genomes Project 30x 0.00016; 1000 Genomes Project 0.00020; gnomAD 0.00001; gnomAD exomes 0.00001; ExAC 0.00002.
gnomAD v4.1: 19 of 1,613,934 alleles (0.0012%); highest among the groups gnomAD compares: South Asian, 0.012%; no homozygotes.

Submission:

Labcorp Genetics (formerly Invitae), Labcorp
Classification: Uncertain significance. Last evaluated: 2022-08-03. Review status: criteria provided, single submitter. Criteria: Invitae Variant Classification Sherloc (09022015). Collection method: clinical testing. Allele origin: germline.
Comment: This sequence change replaces serine, which is neutral and polar, with threonine, which is neutral and polar, at codon 2132 of the CEP250 protein (p.Ser2132Thr). This variant is present in population databases (rs531437659, gnomAD 0.009%). This variant has not been reported in the literature in individuals affected with CEP250-related conditions. Algorithms developed to predict the effect of missense changes on protein structure and function are either unavailable or do not agree on the potential impact of this missense change (SIFT: "Not Available"; PolyPhen-2: "Benign"; Align-GVGD: "Not Available"). In summary, the available evidence is currently insufficient to determine the role of this variant in disease. Therefore, it has been classified as a Variant of Uncertain Significance.